The following is an entry in ClinVar:

ClinVar aggregate classification (germline): Likely benign (1 of 4 stars; one submission).

gnomAD v4.1: 1 of 1,613,756 alleles (0.000062%); highest among the groups gnomAD compares: Middle Eastern, 0.016%; no homozygotes.

Submission:

Laboratory for Molecular Medicine, Mass General Brigham Personalized Medicine
Classification: Likely benign. Last evaluated: 2016-03-29. Review status: criteria provided, single submitter. Criteria: LMM Criteria. Collection method: clinical testing. Allele origin: germline.
Comment: Variant identified in a genome or exome case(s) and assessed due to predicted null impact of the variant or pathogenic assertions in the literature or databases. Disclaimer: This variant has not undergone full assessment. The following are preliminary notes: Silent variant.

NM_199242.3(UNC13D):c.2340C>G (p.Gly780=)

Gene: UNC13D (unc-13 homolog D; minus strand). Cytogenetic location: 17q25.1.
Variant type: single nucleotide variant.
Coding change: c.2340C>G on transcript NM_199242.3 (MANE Select); coding-DNA position 2340, C replaced by G.
Protein change: p.Gly780=; no amino-acid change (glycine 780 retained).
Molecular consequence: synonymous variant.
Genome position (GRCh38, 1-based): chr17:75,834,102, G>C on the plus strand (C>G on the coding strand, the complement: UNC13D is on the minus strand). VCF-style: chr17-75834102-G-C. GRCh37 (hg19) VCF-style: chr17-73830183-G-C.
Identifiers: ClinVar variation 403592 (VCV000403592.4), dbSNP rs556654678, ClinGen allele CA16609769.